The following is an entry in ClinVar:

NM_017849.4(TMEM127):c.485A>G (p.Lys162Arg)

Gene: TMEM127 (transmembrane protein 127; minus strand). Cytogenetic location: 2q11.2.
Variant type: single nucleotide variant.
Coding change: c.485A>G on transcript NM_017849.4 (MANE Select); coding-DNA position 485, A replaced by G.
Protein change: p.Lys162Arg; replaces lysine 162 with arginine.
Molecular consequence: missense variant.
Genome position (GRCh38, 1-based): chr2:96,254,040, T>C on the plus strand (A>G on the coding strand, the complement: TMEM127 is on the minus strand). VCF-style: chr2-96254040-T-C. GRCh37 (hg19) VCF-style: chr2-96919778-T-C.
Other names: c.485A>G, p.Lys162Arg (NM_001193304.3); short protein forms K162R.
Identifiers: ClinVar variation 834789 (VCV000834789.13), dbSNP rs745947594, ClinGen allele CA1777296.
Genomic context (GRCh38, chr2:96,254,040, plus strand): 5'-CCTGCCACCAGGTAGAAGCTAACGGCGAAGGTGACATAGACCTGGGATCCATGGTACTTC[T>C]TATGCTGCTGCTGCTGGGCCAAGATGAGTTCAGAAGCCCAATAAGAAAAGCCAATGACGG-3'
Protein context (NP_060319.1, residues 152-172): ELILAQQQQH[Lys162Arg]KYHGSQVYVT

ClinVar aggregate classification (germline): Uncertain significance. Review status: criteria provided, multiple submitters, no conflicts (2 of 4 stars). 2 submissions from 2 submitters: Uncertain significance (2). Last evaluated 2025-06-03.

Conditions:
Hereditary cancer-predisposing syndrome. Also called: Hereditary Cancer Syndrome; Tumor predisposition; Neoplastic Syndromes, Hereditary; Hereditary neoplastic syndrome. Identifiers: Orphanet 140162, MedGen C0027672, MeSH D009386, MONDO:0015356.
Hereditary pheochromocytoma and paraganglioma. Also called: Hereditary pheochromocytoma-paraganglioma; Hereditary paragangliomas and pheochromocytomas; Hereditary Paraganglioma-Pheochromocytoma Syndromes. Identifiers: Orphanet 29072, MedGen C4274332, MONDO:0017366.

Allele frequency attached by ClinVar (database versions not stated): ExAC 0.00001; gnomAD 0.00001; gnomAD exomes 0.00001 and 0.00002.
gnomAD v4.1: 13 of 1,614,022 alleles (0.00081%); no homozygotes.

Submissions (2):

Labcorp Genetics (formerly Invitae), Labcorp
Classification: Uncertain significance for Hereditary pheochromocytoma and paraganglioma. Last evaluated: 2025-06-03. Review status: criteria provided, single submitter. Criteria: Invitae Variant Classification Sherloc (09022015). Collection method: clinical testing. Allele origin: germline.
Comment: This sequence change replaces lysine, which is basic and polar, with arginine, which is basic and polar, at codon 162 of the TMEM127 protein (p.Lys162Arg). This variant is present in population databases (rs745947594, gnomAD 0.01%). This variant has not been reported in the literature in individuals affected with TMEM127-related conditions. ClinVar contains an entry for this variant (Variation ID: 834789). An algorithm developed to predict the effect of missense changes on protein structure and function (PolyPhen-2) suggests that this variant is likely to be tolerated. In summary, the available evidence is currently insufficient to determine the role of this variant in disease. Therefore, it has been classified as a Variant of Uncertain Significance.

Ambry Genetics
Classification: Uncertain significance for Hereditary cancer-predisposing syndrome. Last evaluated: 2024-11-13. Review status: criteria provided, single submitter. Criteria: Ambry Variant Classification Scheme 2023. Collection method: clinical testing. Allele origin: germline.
Comment: The p.K162R variant (also known as c.485A>G), located in coding exon 3 of the TMEM127 gene, results from an A to G substitution at nucleotide position 485. The lysine at codon 162 is replaced by arginine, an amino acid with highly similar properties. This amino acid position is highly conserved in available vertebrate species. In addition, the in silico prediction for this alteration is inconclusive. Based on the available evidence, the clinical significance of this variant remains unclear.